The following is an entry in ClinVar:

NM_006164.5(NFE2L2):c.1457C>G (p.Ser486Cys)

Gene: NFE2L2 (NFE2 like bZIP transcription factor 2; minus strand). Cytogenetic location: 2q31.2.
Variant type: single nucleotide variant.
Coding change: c.1457C>G on transcript NM_006164.5 (MANE Select); coding-DNA position 1457, C replaced by G.
Protein change: p.Ser486Cys; replaces serine 486 with cysteine.
Molecular consequence: missense variant.
Genome position (GRCh38, 1-based): chr2:177,231,146, G>C on the plus strand (C>G on the coding strand, the complement: NFE2L2 is on the minus strand). VCF-style: chr2-177231146-G-C. GRCh37 (hg19) VCF-style: chr2-178095874-G-C.
Other names: c.1409C>G, p.Ser470Cys (NM_001145412.3, NM_001313900.1, NM_001313901.1); c.1388C>G, p.Ser463Cys (NM_001145413.3); c.1367C>G, p.Ser456Cys (NM_001313902.2); c.1238C>G, p.Ser413Cys (NM_001313903.2); c.1157C>G, p.Ser386Cys (NM_001313904.1); short protein forms S456C, S463C, S413C, S386C, S486C, S470C.
Identifiers: ClinVar variation 2094911 (VCV002094911.4), dbSNP rs2105451599, ClinGen allele CA349368650.
Genomic context (GRCh38, chr2:177,231,146, plus strand): 5'-TTACCCCTCCTACGTATATCCCGAATTAATGCAAGTTGAGCTTCATTGAACTGCTCTTTG[G>C]ACATCATTTCGTTGAAGTCAACAACAGGGAGGTTAATGATTTTTTCTACAGGGAATGGGA-3'
Protein context (NP_006155.2, residues 476-496): LPVVDFNEMM[Ser486Cys]KEQFNEAQLA

ClinVar aggregate classification (germline): Uncertain significance (1 of 4 stars; one submission).

Submission:

Labcorp Genetics (formerly Invitae), Labcorp
Classification: Uncertain significance. Last evaluated: 2022-04-01. Review status: criteria provided, single submitter. Criteria: Invitae Variant Classification Sherloc (09022015). Collection method: clinical testing. Allele origin: germline.
Comment: In summary, the available evidence is currently insufficient to determine the role of this variant in disease. Therefore, it has been classified as a Variant of Uncertain Significance. Algorithms developed to predict the effect of missense changes on protein structure and function (SIFT, PolyPhen-2, Align-GVGD) all suggest that this variant is likely to be disruptive. This variant has not been reported in the literature in individuals affected with NFE2L2-related conditions. This variant is not present in population databases (gnomAD no frequency). This sequence change replaces serine, which is neutral and polar, with cysteine, which is neutral and slightly polar, at codon 486 of the NFE2L2 protein (p.Ser486Cys).